The following is an entry in ClinVar:

ClinVar aggregate classification (germline): Uncertain significance (1 of 4 stars; one submission).

Submission:

Dasa
Classification: Uncertain significance. Last evaluated: 2025-12-11. Review status: criteria provided, single submitter. Criteria: DASA Assertion Criteria. Collection method: clinical testing. Allele origin: germline.
Comment: NM_021096.4(CACNA1I):c.2769C>A (p.His923Gln) is a missense variant that results in the substitution of histidine with glutamine. This variant is rare in population databases. The currently available literature and clinical evidence are not sufficient to establish a definitive association between this variant and the reported condition. Therefore, this variant is classified as a variant of uncertain significance.

NM_021096.4(CACNA1I):c.2769C>A (p.His923Gln)

Gene: CACNA1I (calcium voltage-gated channel subunit alpha1 I; plus strand). Cytogenetic location: 22q13.1.
Variant type: single nucleotide variant.
Coding change: c.2769C>A on transcript NM_021096.4 (MANE Select); coding-DNA position 2769, C replaced by A.
Protein change: p.His923Gln; replaces histidine 923 with glutamine.
Molecular consequence: missense variant.
Genome position (GRCh38, 1-based): chr22:39,661,178, C>A. VCF-style: chr22-39661178-C-A. GRCh37 (hg19) VCF-style: chr22-40057183-C-A.
Other names: c.2664C>A, p.His888Gln (NM_001003406.2); short protein forms H888Q, H923Q.
Identifiers: ClinVar variation 5020766 (VCV005020766.1).